The following is an entry in ClinVar:

NM_201384.3(PLEC):c.8237G>A (p.Arg2746Gln)

Gene: PLEC (plectin; minus strand). Cytogenetic location: 8q24.3.
Variant type: single nucleotide variant.
Coding change: c.8237G>A on transcript NM_201384.3 (MANE Select); coding-DNA position 8237, G replaced by A.
Protein change: p.Arg2746Gln; replaces arginine 2746 with glutamine.
Molecular consequence: missense variant.
Genome position (GRCh38, 1-based): chr8:143,921,584, C>T on the plus strand (G>A on the coding strand, the complement: PLEC is on the minus strand). VCF-style: chr8-143921584-C-T. GRCh37 (hg19) VCF-style: chr8-144995752-C-T.
Other names: c.8318G>A (NM_000445.3); c.8318G>A, p.Arg2773Gln (NM_000445.5); c.8195G>A, p.Arg2732Gln (NM_201378.4); c.8171G>A, p.Arg2724Gln (NM_201379.3); c.8648G>A, p.Arg2883Gln (NM_201380.4); c.8141G>A, p.Arg2714Gln (NM_201381.3); c.8237G>A, p.Arg2746Gln (NM_201382.4); c.8249G>A, p.Arg2750Gln (NM_201383.3); short protein forms R2750Q, R2773Q, R2714Q, R2746Q, R2724Q, R2883Q, R2732Q.
Identifiers: ClinVar variation 943264 (VCV000943264.8), dbSNP rs781927726, ClinGen allele CA4925386.

ClinVar aggregate classification (germline): Uncertain significance. Review status: criteria provided, multiple submitters, no conflicts (2 of 4 stars). 2 submissions from 2 submitters: Uncertain significance (2). Last evaluated 2024-11-18.

Conditions:
Inborn genetic diseases. Identifiers: MedGen C0950123, MeSH D030342.
Epidermolysis bullosa simplex 5B, with muscular dystrophy (EBS5B). Also called: EPIDERMOLYSIS BULLOSA SIMPLEX AND LIMB-GIRDLE MUSCULAR DYSTROPHY; Epidermolysis bullosa simplex with muscular dystrophy. Identifiers: Orphanet 257, MedGen C2931072, MONDO:0009181, OMIM 226670.
Epidermolysis bullosa simplex with nail dystrophy (EBS5D). Identifiers: MedGen C4225309, MONDO:0014661, OMIM 616487.
Epidermolysis bullosa simplex, Ogna type (EBS5A). Also called: EPIDERMOLYSIS BULLOSA SIMPLEX 5A, OGNA TYPE; Pidermolysis bullosa simplex 5A, Ogna type. Identifiers: Orphanet 79401, MedGen C0432317, MONDO:0007555, OMIM 131950.
Autosomal recessive limb-girdle muscular dystrophy type 2Q (LGMDR17). Also called: MUSCULAR DYSTROPHY, LIMB-GIRDLE, AUTOSOMAL RECESSIVE 17. Identifiers: Orphanet 254361, MedGen C3150989, MONDO:0013390, OMIM 613723.
Epidermolysis bullosa simplex 5C, with pyloric atresia (EBS5C). Also called: Epidermolysis bullosa simplex with pyloric atresia; PLEC-Related Epidermolysis Bullosa with Pyloric Atresia; PLEC1-Related Epidermolysis Bullosa with Pyloric Atresia. Identifiers: Orphanet 158684, MedGen C2677349, MONDO:0012807, OMIM 612138.

Allele frequency attached by ClinVar (database versions not stated): gnomAD 0.00002 and 0.00004; TOPMed 0.00002; ExAC 0.00003.
gnomAD v4.1: 23 of 1,612,108 alleles (0.0014%); highest among the groups gnomAD compares: East Asian, 0.0045%; no homozygotes.

Submissions (2):

Labcorp Genetics (formerly Invitae), Labcorp
Classification: Uncertain significance for Autosomal recessive limb-girdle muscular dystrophy type 2Q; Epidermolysis bullosa simplex, Ogna type; Epidermolysis bullosa simplex with nail dystrophy; Epidermolysis bullosa simplex 5C, with pyloric atresia; Epidermolysis bullosa simplex 5B, with muscular dystrophy. Last evaluated: 2024-11-18. Review status: criteria provided, single submitter. Criteria: Invitae Variant Classification Sherloc (09022015). Collection method: clinical testing. Allele origin: germline.
Comment: This sequence change replaces arginine, which is basic and polar, with glutamine, which is neutral and polar, at codon 2773 of the PLEC protein (p.Arg2773Gln). This variant is present in population databases (rs781927726, gnomAD 0.02%). This variant has not been reported in the literature in individuals affected with PLEC-related conditions. ClinVar contains an entry for this variant (Variation ID: 943264). Invitae Evidence Modeling of protein sequence and biophysical properties (such as structural, functional, and spatial information, amino acid conservation, physicochemical variation, residue mobility, and thermodynamic stability) has been performed for this missense variant. However, the output from this modeling did not meet the statistical confidence thresholds required to predict the impact of this variant on PLEC protein function. In summary, the available evidence is currently insufficient to determine the role of this variant in disease. Therefore, it has been classified as a Variant of Uncertain Significance.

Ambry Genetics
Classification: Uncertain significance for Inborn genetic diseases. Last evaluated: 2024-11-11. Review status: criteria provided, single submitter. Criteria: Ambry Variant Classification Scheme 2023. Collection method: clinical testing. Allele origin: germline.